The following is an entry in ClinVar:

ClinVar aggregate classification (germline): Uncertain significance. Review status: reviewed by expert panel (3 of 4 stars). 3 submissions from 3 submitters: Uncertain significance (1). 2 of the submissions do not count toward it. Last evaluated 2024-08-20.

Conditions:
Glanzmann thrombasthenia. Also called: BLEEDING DISORDER, PLATELET-TYPE, 2; THROMBASTHENIA OF GLANZMANN AND NAEGELI; PLATELET GLYCOPROTEIN IIb-IIIa DEFICIENCY; Thrombasthenia; Glanzmann's thrombasthenia. Identifiers: Orphanet 849, MedGen C0040015, MONDO:0100326.

Allele frequency attached by ClinVar (database versions not stated): gnomAD 0.00002; gnomAD exomes 0.00002 and 0.00005; TOPMed 0.00002; ExAC 0.00008.
gnomAD v4.1: 34 of 1,613,698 alleles (0.0021%); highest among the groups gnomAD compares: Admixed American, 0.015%; no homozygotes.

Submissions (3):

ClinGen Platelet Disorders Variant Curation Expert Panel, ClinGen
Classification: Uncertain significance for Glanzmann thrombasthenia. Last evaluated: 2024-08-20. Review status: reviewed by expert panel. Criteria: ClinGen Platelet ACMG Specifications v2-1. Collection method: curation. Allele origin: germline. Inheritance: Autosomal recessive inheritance.
Comment: The NM_000419.5(ITGA2B):c.1769G>A (p.Arg590Gln) has been reported in one patient with suspected type 3 GT (PMID: 29675921). GT39 of PMID: 29675921 meets the criteria for PP4_moderate; including mucocutaneous bleeding, and impaired aggregation with all agonists except ristocetin. There was reduced function of αIIbβ3 measured by flow cytometry, however 43% PAC-1 binding was not considered sufficient to meet PP4_strong. GT39 is compound heterozygous for Cys857Phe (classified as VUS b the PD VCEP; SCV001809850.1) and Arg590Gln. Based on the evidence available at this time, the variant is classified as uncertain significance. GT-specific criteria applied: PP4_moderate.

Labcorp Genetics (formerly Invitae), Labcorp
Classification: Uncertain significance for Glanzmann thrombasthenia. Last evaluated: 2025-07-29. Review status: criteria provided, single submitter. Criteria: Invitae Variant Classification Sherloc (09022015). Collection method: clinical testing. Allele origin: germline. Not counted in ClinVar's aggregate classification.
Comment: This sequence change replaces arginine, which is basic and polar, with glutamine, which is neutral and polar, at codon 590 of the ITGA2B protein (p.Arg590Gln). This variant is present in population databases (rs747930676, gnomAD 0.02%). This missense change has been observed in individual(s) with Glanzmann's thrombasthenia (PMID: 29675921). ClinVar contains an entry for this variant (Variation ID: 1210202). Invitae Evidence Modeling of protein sequence and biophysical properties (such as structural, functional, and spatial information, amino acid conservation, physicochemical variation, residue mobility, and thermodynamic stability) has been performed for this missense variant. However, the output from this modeling did not meet the statistical confidence thresholds required to predict the impact of this variant on ITGA2B protein function. In summary, the available evidence is currently insufficient to determine the role of this variant in disease. Therefore, it has been classified as a Variant of Uncertain Significance.

Women's Health and Genetics/Laboratory Corporation of America, LabCorp
Classification: Uncertain significance. Last evaluated: 2025-07-16. Review status: criteria provided, single submitter. Criteria: LabCorp Variant Classification Summary - May 2015. Collection method: clinical testing. Allele origin: germline. Not counted in ClinVar's aggregate classification.
Comment: Variant summary: ITGA2B c.1769G>A (p.Arg590Gln) results in a conservative amino acid change in the encoded protein sequence. Algorithms developed to predict the effect of missense changes on protein structure and function are either unavailable or do not agree on the potential impact of this missense change. The variant allele was found at a frequency of 5.2e-05 in 250544 control chromosomes. This frequency is not significantly higher than estimated for a pathogenic variant in ITGA2B causing ITGA2B-Related Disorders, allowing no conclusion about variant significance. c.1769G>A has been observed in individual(s) affected with ITGA2B-Related Disorders. These report(s) do not provide unequivocal conclusions about association of the variant with Glanzmann's thrombasthenia (Zhou_2018). To our knowledge, no experimental evidence demonstrating an impact on protein function has been reported. The following publication has been ascertained in the context of this evaluation (PMID: 29675921). ClinVar contains an entry for this variant (Variation ID: 1210202). Based on the evidence outlined above, the variant was classified as uncertain significance.

Literature cited by the submitters: PubMed 29675921 (cited by Labcorp Genetics (formerly Invitae), Labcorp and Women's Health and Genetics/Laboratory Corporation of America, LabCorp).

NM_000419.5(ITGA2B):c.1769G>A (p.Arg590Gln)

Gene: ITGA2B (integrin subunit alpha 2b; minus strand). Cytogenetic location: 17q21.31.
Variant type: single nucleotide variant.
Coding change: c.1769G>A on transcript NM_000419.5 (MANE Select); coding-DNA position 1769, G replaced by A.
Protein change: p.Arg590Gln; replaces arginine 590 with glutamine.
Molecular consequence: missense variant.
Genome position (GRCh38, 1-based): chr17:44,379,798, C>T on the plus strand (G>A on the coding strand, the complement: ITGA2B is on the minus strand). VCF-style: chr17-44379798-C-T. GRCh37 (hg19) VCF-style: chr17-42457166-C-T.
Other names: short protein forms R590Q.
Identifiers: ClinVar variation 1210202 (VCV001210202.5), dbSNP rs747930676, ClinGen allele CA8602943.